The following is an entry in ClinVar:

NM_198506.5(LRIT3):c.1966C>G (p.Leu656Val)

Gene: LRIT3 (leucine rich repeat, Ig-like and transmembrane domains 3; plus strand). Cytogenetic location: 4q25.
Variant type: single nucleotide variant.
Coding change: c.1966C>G on transcript NM_198506.5 (MANE Select); coding-DNA position 1966, C replaced by G.
Protein change: p.Leu656Val; replaces leucine 656 with valine.
Molecular consequence: missense variant.
Genome position (GRCh38, 1-based): chr4:109,870,715, C>G. VCF-style: chr4-109870715-C-G. GRCh37 (hg19) VCF-style: chr4-110791871-C-G.
Other names: short protein forms L656V.
Identifiers: ClinVar variation 901026 (VCV000901026.6), dbSNP rs1195746556, ClinGen allele CA357873232.

ClinVar aggregate classification (germline): Uncertain significance. Review status: criteria provided, multiple submitters, no conflicts (2 of 4 stars). 2 submissions from 2 submitters: Uncertain significance (2). Last evaluated 2022-07-26.

Conditions:
Congenital stationary night blindness 1F. Also called: Night blindness, congenital stationary (complete), 1F, autosomal recessive. Identifiers: Orphanet 215, MedGen C3554399, MONDO:0014026, OMIM 615058.

Allele frequency attached by ClinVar (database versions not stated): gnomAD 0.00001.
gnomAD v4.1: 2 of 1,613,988 alleles (0.00012%); highest among the groups gnomAD compares: Admixed American, 0.0017%; no homozygotes.

Submissions (2):

Labcorp Genetics (formerly Invitae), Labcorp
Classification: Uncertain significance. Last evaluated: 2022-07-26. Review status: criteria provided, single submitter. Criteria: Invitae Variant Classification Sherloc (09022015). Collection method: clinical testing. Allele origin: germline.
Comment: This sequence change replaces leucine, which is neutral and non-polar, with valine, which is neutral and non-polar, at codon 656 of the LRIT3 protein (p.Leu656Val). This variant is present in population databases (no rsID available, gnomAD 0.01%). This variant has not been reported in the literature in individuals affected with LRIT3-related conditions. ClinVar contains an entry for this variant (Variation ID: 901026). Algorithms developed to predict the effect of missense changes on protein structure and function are either unavailable or do not agree on the potential impact of this missense change (SIFT: "Deleterious"; PolyPhen-2: "Possibly Damaging"; Align-GVGD: "Class C0"). Algorithms developed to predict the effect of sequence changes on RNA splicing suggest that this variant may create or strengthen a splice site. In summary, the available evidence is currently insufficient to determine the role of this variant in disease. Therefore, it has been classified as a Variant of Uncertain Significance.

Illumina Laboratory Services, Illumina
Classification: Uncertain significance for Congenital stationary night blindness 1F. Last evaluated: 2018-01-13. Review status: criteria provided, single submitter. Criteria: ICSL Variant Classification Criteria 13 December 2019. Collection method: clinical testing. Allele origin: germline.